The following is an entry in ClinVar:

ClinVar aggregate classification (germline): Benign. Review status: criteria provided, multiple submitters, no conflicts (2 of 4 stars). 5 submissions from 4 submitters: Benign (5). Last evaluated 2024-07-15.

Conditions:
Developmental and epileptic encephalopathy, 7 (DEE7). Also called: Early infantile epileptic encephalopathy 7; KCNQ2-Related Neonatal-Onset Developmental and Epileptic Encephalopathy (NEO-DEE); KCNQ2-Related Neonatal Epileptic Encephalopathy. Identifiers: Orphanet 439218, MedGen C3150986, MONDO:0013387, OMIM 613720.
Seizures, benign familial neonatal, 1. Also called: Benign Neonatal Epilepsy 1; KCNQ2-Related Self-Limited Familial Neonatal Epilepsy (SLFNE); Seizures, benign neonatal, 1; KCNQ2-Related Benign Familial Neonatal Epilepsy. Identifiers: Orphanet 1949, MedGen C3149074, MONDO:0007365, OMIM 121200.

Allele frequency attached by ClinVar (database versions not stated): 1000 Genomes Project 0.13978; 1000 Genomes Project 30x 0.14288; TOPMed 0.19488; gnomAD exomes 0.19858 and 0.25655; ExAC 0.20112; gnomAD 0.20684 and 0.21189; ESP Exome Variant Server 0.22750.
gnomAD v4.1: 404,396 of 1,611,368 alleles (25%); highest among the groups gnomAD compares: Non-Finnish European, 28%; 54,487 homozygotes.

Submissions (5):

Unidad de Genómica Garrahan, Hospital de Pediatría Garrahan
Classification: Benign. Last evaluated: 2024-07-15. Review status: criteria provided, single submitter. Criteria: ACMG Guidelines, 2015. Collection method: clinical testing. Allele origin: germline. Affected: no. Observed: 26 variant alleles.
Comment: This variant is classified as Benign based on local population frequency. This variant was detected in 28% of patients studied in a panel designed for Epileptic and Developmental Encephalopathy and Progressive Myoclonus Epilepsy. Number of patients: 26. Only high quality variants are reported.

Genome-Nilou Lab
Classification: Benign for Developmental and epileptic encephalopathy, 7. Last evaluated: 2021-08-19. Review status: criteria provided, single submitter. Criteria: ACMG Guidelines, 2015. Collection method: clinical testing. Allele origin: germline. Affected: no.

Genome-Nilou Lab
Classification: Benign for Seizures, benign familial neonatal, 1. Last evaluated: 2021-08-19. Review status: criteria provided, single submitter. Criteria: ACMG Guidelines, 2015. Collection method: clinical testing. Allele origin: germline. Affected: no.

GeneDx
Classification: Benign. Last evaluated: 2018-06-19. Review status: criteria provided, single submitter. Criteria: GeneDx Variant Classification (06012015). Collection method: clinical testing. Allele origin: germline. Affected: yes.
Comment: This variant is considered likely benign or benign based on one or more of the following criteria: it is a conservative change, it occurs at a poorly conserved position in the protein, it is predicted to be benign by multiple in silico algorithms, and/or has population frequency not consistent with disease.

Breakthrough Genomics
Classification: Benign. Review status: criteria provided, single submitter. Criteria: ACMG Guidelines, 2015. Collection method: not provided. Allele origin: germline. Inheritance: Autosomal dominant inheritance. Affected: yes.

NM_172107.4(KCNQ2):c.388-26G>T

Gene: KCNQ2 (potassium voltage-gated channel subfamily Q member 2; minus strand). Cytogenetic location: 20q13.33.
Variant type: single nucleotide variant.
Coding change: c.388-26G>T on transcript NM_172107.4 (MANE Select); 26 bases into the intron before coding-DNA position 388, G replaced by T.
Molecular consequence: intron variant.
Genome position (GRCh38, 1-based): chr20:63,445,390, C>A on the plus strand (G>T on the coding strand, the complement: KCNQ2 is on the minus strand). VCF-style: chr20-63445390-C-A. GRCh37 (hg19) VCF-style: chr20-62076743-C-A.
Other names: c.388-26G>T (NM_004518.6, NM_172108.5, NM_172106.3 and 1 more transcripts).
Identifiers: ClinVar variation 670764 (VCV000670764.6), dbSNP rs6062939, ClinGen allele CA9958835.
Genomic context (GRCh38, chr20:63,445,390, plus strand): 5'-TACTCCACGCCAAACACCACGATAGTCACGATTTCCTGCAGGGGAGGAAAGCTGAGGCCA[C>A]CTTGAGGCCTGGGGGAGGGCCTGGGGGCCCAGCCTGGACACCCACAGGAGCAGTTCTGGC-3'